The following is an entry in ClinVar:

NM_003072.5(SMARCA4):c.2227G>A (p.Asp743Asn)

Gene: SMARCA4 (SWI/SNF related BAF chromatin remodeling complex subunit ATPase 4; plus strand). Cytogenetic location: 19p13.2.
Variant type: single nucleotide variant.
Coding change: c.2227G>A on transcript NM_003072.5 (MANE Select); coding-DNA position 2227, G replaced by A.
Protein change: p.Asp743Asn; replaces aspartic acid 743 with asparagine.
Molecular consequence: missense variant. On other transcripts: non-coding transcript variant (1).
Genome position (GRCh38, 1-based): chr19:11,010,484, G>A. VCF-style: chr19-11010484-G-A. GRCh37 (hg19) VCF-style: chr19-11121160-G-A.
Other names: c.2227G>A, p.Asp743Asn (NM_001128844.3, NM_001128845.2, NM_001128846.2 and 5 more transcripts); short protein forms D743N.
Identifiers: ClinVar variation 1371150 (VCV001371150.8), dbSNP rs2146237488, ClinGen allele CA404052873.

ClinVar aggregate classification (germline): Uncertain significance (1 of 4 stars; one submission).

Conditions:
Rhabdoid tumor predisposition syndrome 2 (RTPS2). Identifiers: Orphanet 231108, Orphanet 69077, MedGen C2750074, MONDO:0013224, OMIM 613325.

Allele frequency attached by ClinVar (database versions not stated): gnomAD exomes below 0.00001.
gnomAD v4.1: 1 of 1,614,112 alleles (0.000062%); highest among the groups gnomAD compares: Non-Finnish European, 0.000085%; no homozygotes.

Submission:

Labcorp Genetics (formerly Invitae), Labcorp
Classification: Uncertain significance for Rhabdoid tumor predisposition syndrome 2. Last evaluated: 2021-02-11. Review status: criteria provided, single submitter. Criteria: Invitae Variant Classification Sherloc (09022015). Collection method: clinical testing. Allele origin: germline.
Comment: Algorithms developed to predict the effect of missense changes on protein structure and function are either unavailable or do not agree on the potential impact of this missense change (SIFT: "Deleterious"; PolyPhen-2: "Benign"; Align-GVGD: "Class C0"). In summary, the available evidence is currently insufficient to determine the role of this variant in disease. Therefore, it has been classified as a Variant of Uncertain Significance. This variant has not been reported in the literature in individuals with SMARCA4-related conditions. This variant is not present in population databases (ExAC no frequency). This sequence change replaces aspartic acid with asparagine at codon 743 of the SMARCA4 protein (p.Asp743Asn). The aspartic acid residue is moderately conserved and there is a small physicochemical difference between aspartic acid and asparagine.